The following is an entry in ClinVar:

NM_002796.3(PSMB4):c.488G>A (p.Gly163Glu)

Gene: PSMB4 (proteasome 20S subunit beta 4; plus strand). Cytogenetic location: 1q21.3.
Variant type: single nucleotide variant.
Coding change: c.488G>A on transcript NM_002796.3 (MANE Select); coding-DNA position 488, G replaced by A.
Protein change: p.Gly163Glu; replaces glycine 163 with glutamic acid.
Molecular consequence: missense variant.
Genome position (GRCh38, 1-based): chr1:151,400,582, G>A. VCF-style: chr1-151400582-G-A. GRCh37 (hg19) VCF-style: chr1-151373058-G-A.
Other names: short protein forms G163E.
Identifiers: ClinVar variation 2806289 (VCV002806289.3), dbSNP rs3209765, ClinGen allele CA341924804.

ClinVar aggregate classification (germline): Uncertain significance (1 of 4 stars; one submission).

Allele frequency attached by ClinVar (database versions not stated): TOPMed below 0.00001; gnomAD 0.00001; gnomAD exomes below 0.00001.

Submission:

Labcorp Genetics (formerly Invitae), Labcorp
Classification: Uncertain significance. Last evaluated: 2025-02-10. Review status: criteria provided, single submitter. Criteria: Invitae Variant Classification Sherloc (09022015). Collection method: clinical testing. Allele origin: germline.
Comment: This sequence change replaces glycine, which is neutral and non-polar, with glutamic acid, which is acidic and polar, at codon 163 of the PSMB4 protein (p.Gly163Glu). This variant is present in population databases (no rsID available, gnomAD 0.0009%). This variant has not been reported in the literature in individuals affected with PSMB4-related conditions. ClinVar contains an entry for this variant (Variation ID: 2806289). An algorithm developed to predict the effect of missense changes on protein structure and function (PolyPhen-2) suggests that this variant is likely to be disruptive. In summary, the available evidence is currently insufficient to determine the role of this variant in disease. Therefore, it has been classified as a Variant of Uncertain Significance.